The following is an entry in ClinVar:

NM_016169.4(SUFU):c.182+3A>G

Gene: SUFU (SUFU negative regulator of hedgehog signaling; plus strand). Cytogenetic location: 10q24.32.
Variant type: single nucleotide variant.
Coding change: c.182+3A>G on transcript NM_016169.4 (MANE Select); 3 bases into the intron after coding-DNA position 182, A replaced by G.
Molecular consequence: intron variant.
Genome position (GRCh38, 1-based): chr10:102,504,337, A>G. VCF-style: chr10-102504337-A-G. GRCh37 (hg19) VCF-style: chr10-104264094-A-G.
Other names: c.182+3A>G (NM_001178133.2).
Identifiers: ClinVar variation 654708 (VCV000654708.10), dbSNP rs1589970228, ClinGen allele CA915947527.

ClinVar aggregate classification (germline): Uncertain significance. Review status: criteria provided, multiple submitters, no conflicts (2 of 4 stars). 2 submissions from 2 submitters: Uncertain significance (2). Last evaluated 2026-02-02.

Conditions:
Hereditary cancer-predisposing syndrome. Also called: Neoplastic Syndromes, Hereditary; Hereditary neoplastic syndrome; Tumor predisposition; Hereditary Cancer Syndrome. Identifiers: Orphanet 140162, MedGen C0027672, MeSH D009386, MONDO:0015356.
Gorlin syndrome. Also called: Basal cell nevus syndrome; Nevoid Basal Cell Carcinoma Syndrome. Identifiers: Orphanet 377, MedGen C0004779, MONDO:0007187.
Medulloblastoma (MDB). Also called: Medulloblastoma, somatic; MEDULLOBLASTOMA PREDISPOSITION SYNDROME. Identifiers: Orphanet 616, MedGen C0025149, MeSH D008527, MONDO:0007959, OMIM 155255, HP:0002885.

Submissions (2):

Ambry Genetics
Classification: Uncertain significance for Hereditary cancer-predisposing syndrome. Last evaluated: 2026-02-02. Review status: criteria provided, single submitter. Criteria: Ambry Variant Classification Scheme 2023. Collection method: clinical testing. Allele origin: germline.
Comment: The c.182+3A>G intronic variant results from an A to G substitution 3 nucleotides after coding exon 1 in the SUFU gene. This nucleotide position is not well conserved in available vertebrate species. In silico splice site analysis predicts that this alteration may weaken the native splice donor site and will result in the creation or strengthening of a novel splice donor site. Based on the available evidence, the clinical significance of this variant remains unclear.

Labcorp Genetics (formerly Invitae), Labcorp
Classification: Uncertain significance for Gorlin syndrome; Medulloblastoma. Last evaluated: 2021-12-07. Review status: criteria provided, single submitter. Criteria: Invitae Variant Classification Sherloc (09022015). Collection method: clinical testing. Allele origin: germline.
Comment: ClinVar contains an entry for this variant (Variation ID: 654708). This sequence change falls in intron 1 of the SUFU gene. It does not directly change the encoded amino acid sequence of the SUFU protein. It affects a nucleotide within the consensus splice site. This variant is not present in population databases (gnomAD no frequency). This variant has not been reported in the literature in individuals affected with SUFU-related conditions. Variants that disrupt the consensus splice site are a relatively common cause of aberrant splicing (PMID: 17576681, 9536098). Algorithms developed to predict the effect of sequence changes on RNA splicing suggest that this variant may disrupt the consensus splice site. In summary, the available evidence is currently insufficient to determine the role of this variant in disease. Therefore, it has been classified as a Variant of Uncertain Significance.

Literature cited by the submitters: PubMed 17576681 (cited by Labcorp Genetics (formerly Invitae), Labcorp); PubMed 9536098 (cited by Labcorp Genetics (formerly Invitae), Labcorp).